The following is an entry in ClinVar:

NM_000346.4(SOX9):c.572A>C (p.Glu191Ala)

Gene: SOX9 (SRY-box transcription factor 9; plus strand). Cytogenetic location: 17q24.3.
Variant type: single nucleotide variant.
Coding change: c.572A>C on transcript NM_000346.4 (MANE Select); coding-DNA position 572, A replaced by C.
Protein change: p.Glu191Ala; replaces glutamic acid 191 with alanine.
Molecular consequence: missense variant.
Genome position (GRCh38, 1-based): chr17:72,122,859, A>C. VCF-style: chr17-72122859-A-C. GRCh37 (hg19) VCF-style: chr17-70119000-A-C.
Other names: short protein forms E191A.
Identifiers: ClinVar variation 3774123 (VCV003774123.2).

ClinVar aggregate classification (germline): Uncertain significance. Review status: criteria provided, multiple submitters, no conflicts (2 of 4 stars). 2 submissions from 2 submitters: Uncertain significance (2). Last evaluated 2026-02-16.

Conditions:
SOX9-related disorder. Also called: SOX9-related condition.

Submissions (2):

PreventionGenetics, part of Exact Sciences
Classification: Uncertain significance for SOX9-related condition. Last evaluated: 2026-02-16. Review status: criteria provided, single submitter. Criteria: ACMG Guidelines, 2015. Collection method: clinical testing. Allele origin: germline.
Comment: The SOX9 c.572A>C variant is predicted to result in the amino acid substitution p.Glu191Ala. To our knowledge, this variant has not been reported in the literature. This variant is reported in 0.0087% of alleles in individuals of Latino descent in gnomAD. At this time, the clinical significance of this variant is uncertain due to the absence of conclusive functional and genetic evidence.

GeneDx
Classification: Uncertain significance. Last evaluated: 2024-09-19. Review status: criteria provided, single submitter. Criteria: GeneDx Variant Classification Process June 2021. Collection method: clinical testing. Allele origin: germline. Affected: yes.
Comment: In silico analysis indicates that this missense variant does not alter protein structure/function; Has not been previously published as pathogenic or benign to our knowledge